The following is an entry in ClinVar:

NM_000090.4(COL3A1):c.3364G>A (p.Gly1122Ser)

Gene: COL3A1 (collagen type III alpha 1 chain; plus strand). Cytogenetic location: 2q32.2.
Variant type: single nucleotide variant.
Coding change: c.3364G>A on transcript NM_000090.4 (MANE Select); coding-DNA position 3364, G replaced by A.
Protein change: p.Gly1122Ser; replaces glycine 1122 with serine.
Molecular consequence: missense variant.
Genome position (GRCh38, 1-based): chr2:189,007,885, G>A. VCF-style: chr2-189007885-G-A. GRCh37 (hg19) VCF-style: chr2-189872611-G-A.
Other names: short protein forms G1122S.
Identifiers: ClinVar variation 3071645 (VCV003071645.1), dbSNP rs2469162949, ClinGen allele CA349846000.

ClinVar aggregate classification (germline): Uncertain significance (1 of 4 stars; one submission).

Conditions:
Ehlers-Danlos syndrome, type 4 (EDSVASC). Also called: Ehlers-Danlos Syndrome Type IV; Ehlers-Danlos syndrome vascular type; Ehlers Danlos syndrome, ecchymotic type; Ehlers Danlos syndrome, arterial type; Ehlers Danlos syndrome, Sack-Barabas type. Identifiers: Orphanet 286, MedGen C0268338, MONDO:0017314, OMIM 130050.

Allele frequency attached by ClinVar (database versions not stated): gnomAD exomes below 0.00001.
gnomAD v4.1: 1 of 1,613,916 alleles (0.000062%); highest among the groups gnomAD compares: South Asian, 0.0011%; no homozygotes.

Submission:

All of Us Research Program, National Institutes of Health
Classification: Uncertain significance for Ehlers-Danlos syndrome, type 4. Last evaluated: 2023-06-08. Review status: criteria provided, single submitter. Criteria: ACMG Guidelines, 2015. Collection method: clinical testing. Allele origin: germline. Inheritance: Autosomal dominant inheritance. Observed: 1 variant allele, 1 heterozygote.
Comment: This missense variant replaces glycine with serine at codon 1122 of the COL3A1 protein. Computational prediction suggests that this variant may have deleterious impact on protein structure and function (internally defined REVEL score threshold >= 0.7, PMID: 27666373). This variant changes one of the conserved glycine residues within the Gly-Xaa-Yaa repeat motifs of the triple helical domain of the COL3A1 protein that are required for the structure and stability of fibrillar collagens (PMID: 7695699, 8218237, 19344236). This variant has not been reported in individuals affected with COL3A1-related disorders in the literature. This variant has not been identified in the general population by the Genome Aggregation Database (gnomAD). Although there is a suspicion that this variant may be associated with disease, additional clinical studies are necessary to determine the role of this variant in disease conclusively. Therefore, this variant is classified as a Variant of Uncertain Significance.

This study involves interpretation of variants in research participants for the purpose of population health screening. Participant phenotype was not available at the time of variant classification. Additional details can be found in publication PMID: 35346344, PMCID: PMC8962531

Literature cited by the submitters: PubMed 7695699; PubMed 8218237; PubMed 19344236.